The following is an entry in ClinVar:

NM_012233.3(RAB3GAP1):c.2800C>T (p.Pro934Ser)

Gene: RAB3GAP1 (RAB3 GTPase activating protein catalytic subunit 1; plus strand). Cytogenetic location: 2q21.3.
Variant type: single nucleotide variant.
Coding change: c.2800C>T on transcript NM_012233.3 (MANE Select); coding-DNA position 2800, C replaced by T.
Protein change: p.Pro934Ser; replaces proline 934 with serine.
Molecular consequence: missense variant.
Genome position (GRCh38, 1-based): chr2:135,168,635, C>T. VCF-style: chr2-135168635-C-T. GRCh37 (hg19) VCF-style: chr2-135926205-C-T.
Other names: c.2821C>T, p.Pro941Ser (NM_001172435.2); short protein forms P934S, P941S.
Identifiers: ClinVar variation 767426 (VCV000767426.20), dbSNP rs77535003, ClinGen allele CA1885200.

ClinVar aggregate classification (germline): Conflicting classifications of pathogenicity. Review status: criteria provided, conflicting classifications (1 of 4 stars). 4 submissions from 4 submitters: Uncertain significance (2); Likely benign (1). 1 of the submissions does not count toward it. Last evaluated 2025-09-26.

Conditions:
RAB3GAP1-related disorder. Also called: RAB3GAP1-related disorders; RAB3GAP1-related condition.

Allele frequency attached by ClinVar (database versions not stated): ESP Exome Variant Server 0.00069; 1000 Genomes Project 0.00080; TOPMed 0.00088; 1000 Genomes Project 30x 0.00109.
gnomAD v4.1: 280 of 1,614,186 alleles (0.017%); highest among the groups gnomAD compares: African/African-American, 0.25%; no homozygotes.

Submissions (4):

GeneDx
Classification: Uncertain significance. Last evaluated: 2025-09-26. Review status: criteria provided, single submitter. Criteria: GeneDx Variant Classification Process June 2021. Collection method: clinical testing. Allele origin: germline. Affected: yes.
Comment: In silico analysis supports that this missense variant has a deleterious effect on protein structure/function; Has not been previously published as pathogenic or benign to our knowledge

Labcorp Genetics (formerly Invitae), Labcorp
Classification: Likely benign. Last evaluated: 2025-08-20. Review status: criteria provided, single submitter. Criteria: Invitae Variant Classification Sherloc (09022015). Collection method: clinical testing. Allele origin: germline.

Revvity Omics, Revvity
Classification: Uncertain significance. Last evaluated: 2019-01-16. Review status: criteria provided, single submitter. Criteria: ACMG Guidelines, 2015. Collection method: clinical testing. Allele origin: germline.

PreventionGenetics, part of Exact Sciences
Classification: Likely benign for RAB3GAP1-related condition. Last evaluated: 2022-03-09. Review status: no assertion criteria provided. Collection method: clinical testing. Allele origin: germline. Not counted in ClinVar's aggregate classification.
Comment: This variant is classified as likely benign based on ACMG/AMP sequence variant interpretation guidelines (Richards et al. 2015 PMID: 25741868, with internal and published modifications).